The following is an entry in ClinVar:

NM_170606.3(KMT2C):c.2348C>T (p.Ser783Phe)

Gene: KMT2C (lysine methyltransferase 2C; minus strand). Cytogenetic location: 7q36.1.
Variant type: single nucleotide variant.
Coding change: c.2348C>T on transcript NM_170606.3 (MANE Select); coding-DNA position 2348, C replaced by T.
Protein change: p.Ser783Phe; replaces serine 783 with phenylalanine.
Molecular consequence: missense variant.
Genome position (GRCh38, 1-based): chr7:152,248,086, G>A on the plus strand (C>T on the coding strand, the complement: KMT2C is on the minus strand). VCF-style: chr7-152248086-G-A. GRCh37 (hg19) VCF-style: chr7-151945171-G-A.
Other names: short protein forms S783F.
Identifiers: ClinVar variation 4885000 (VCV004885000.2).

ClinVar aggregate classification (germline): Uncertain significance (1 of 4 stars; one submission).

Submission:

Dasa
Classification: Uncertain significance. Last evaluated: 2024-10-07. Review status: criteria provided, single submitter. Criteria: DASA Assertion Criteria. Collection method: clinical testing. Allele origin: germline.
Comment: NM_170606.3(KMT2C):c.2348C>T (p.Ser783Phe) is a missense variant that results in the substitution of serine with phenylalanine. This variant is absent from population databases. Computational prediction algorithms are consistent with a benign effect. The currently available literature and clinical evidence are not sufficient to establish a definitive association between this variant and the reported condition. Therefore, this variant is classified as a variant of uncertain significance.